The following is an entry in ClinVar:

ClinVar aggregate classification (germline): Likely benign (1 of 4 stars; one submission).

Allele frequency attached by ClinVar (database versions not stated): gnomAD exomes 0.00002; ExAC 0.00003; gnomAD 0.00003; TOPMed 0.00003.
gnomAD v4.1: 40 of 1,613,826 alleles (0.0025%); highest among the groups gnomAD compares: Non-Finnish European, 0.0032%; no homozygotes.

Submission:

CeGaT Center for Human Genetics Tuebingen
Classification: Likely benign. Last evaluated: 2024-05-01. Review status: criteria provided, single submitter. Criteria: CeGaT Center For Human Genetics Tuebingen Variant Classification Criteria Version 2. Collection method: clinical testing. Allele origin: germline. Affected: yes. Observed: 1 variant allele.
Comment: TDP2: BP4, BP7

NM_016614.3(TDP2):c.18C>T (p.Cys6=)

Genes: TDP2 (tyrosyl-DNA phosphodiesterase 2; minus strand), LOC113174982 (Sharpr-MPRA regulatory region 5933; plus strand). Cytogenetic location: 6p22.3.
Variant type: single nucleotide variant.
Coding change: c.18C>T on transcript NM_016614.3 (MANE Select); coding-DNA position 18, C replaced by T.
Protein change: p.Cys6=; no amino-acid change (cysteine 6 retained).
Molecular consequence: synonymous variant.
Genome position (GRCh38, 1-based): chr6:24,666,845, G>A on the plus strand (C>T on the coding strand, the complement: TDP2 is on the minus strand). VCF-style: chr6-24666845-G-A. GRCh37 (hg19) VCF-style: chr6-24667073-G-A.
Identifiers: ClinVar variation 3239027 (VCV003239027.19), dbSNP rs762016194.